The following is an entry in ClinVar:

ClinVar aggregate classification (germline): Benign. Review status: criteria provided, single submitter (1 of 4 stars). 3 submissions from 3 submitters: Benign (1). 2 of the submissions do not count toward it. Last evaluated 2025-09-15.

Conditions:
NEB-related disorder. Also called: NEB-Related Disorders; NEB-related condition.
Nemaline myopathy 2 (NEM2). Also called: Nemaline myopathy 2, autosomal recessive. Identifiers: MedGen C1850569, MONDO:0009725, OMIM 256030.

Allele frequency attached by ClinVar (database versions not stated): gnomAD 0.00001; TOPMed 0.00001; gnomAD exomes 0.00003 and 0.00013; ExAC 0.00018.
gnomAD v4.1: 41 of 1,613,878 alleles (0.0025%); highest among the groups gnomAD compares: Admixed American, 0.06%; 2 homozygotes.

Submissions (3):

Labcorp Genetics (formerly Invitae), Labcorp
Classification: Benign for Nemaline myopathy 2. Last evaluated: 2025-09-15. Review status: criteria provided, single submitter. Criteria: Invitae Variant Classification Sherloc (09022015). Collection method: clinical testing. Allele origin: germline.

PreventionGenetics, part of Exact Sciences
Classification: Likely benign for NEB-related condition. Last evaluated: 2022-07-06. Review status: no assertion criteria provided. Collection method: clinical testing. Allele origin: germline. Not counted in ClinVar's aggregate classification.
Comment: This variant is classified as likely benign based on ACMG/AMP sequence variant interpretation guidelines (Richards et al. 2015 PMID: 25741868, with internal and published modifications).

Natera, Inc.
Classification: Uncertain significance for Nemaline myopathy type 2. Last evaluated: 2020-01-24. Review status: no assertion criteria provided. Collection method: clinical testing. Allele origin: germline. Not counted in ClinVar's aggregate classification.

NM_001164508.2(NEB):c.1839C>T (p.Ser613=)

Gene: NEB (nebulin; minus strand). Cytogenetic location: 2q23.3.
Variant type: single nucleotide variant.
Coding change: c.1839C>T on transcript NM_001164508.2 (MANE Select); coding-DNA position 1839, C replaced by T.
Protein change: p.Ser613=; no amino-acid change (serine 613 retained).
Molecular consequence: synonymous variant.
Genome position (GRCh38, 1-based): chr2:151,694,380, G>A on the plus strand (C>T on the coding strand, the complement: NEB is on the minus strand). VCF-style: chr2-151694380-G-A. GRCh37 (hg19) VCF-style: chr2-152550894-G-A.
Other names: c.1839C>T, p.Ser613= (NM_001164507.2, NM_001271208.2, NM_004543.5).
Identifiers: ClinVar variation 729839 (VCV000729839.14), dbSNP rs751976783, ClinGen allele CA1911429.